The following is an entry in ClinVar:

NM_003072.5(SMARCA4):c.4614C>T (p.Thr1538=)

Gene: SMARCA4 (SWI/SNF related BAF chromatin remodeling complex subunit ATPase 4; plus strand). Cytogenetic location: 19p13.2.
Variant type: single nucleotide variant.
Coding change: c.4614C>T on transcript NM_003072.5 (MANE Select); coding-DNA position 4614, C replaced by T.
Protein change: p.Thr1538=; no amino-acid change (threonine 1538 retained).
Molecular consequence: synonymous variant. On other transcripts: non-coding transcript variant (1).
Genome position (GRCh38, 1-based): chr19:11,058,868, C>T. VCF-style: chr19-11058868-C-T. GRCh37 (hg19) VCF-style: chr19-11169544-C-T.
Other names: c.4614C>T, p.Thr1538= (NM_001128844.3); c.4524C>T, p.Thr1508= (NM_001128845.2); c.4521C>T, p.Thr1507= (NM_001128846.2); c.4515C>T, p.Thr1505= (NM_001128847.4, NM_001374457.1); c.4512C>T, p.Thr1504= (NM_001128848.2); c.4710C>T, p.Thr1570= (NM_001128849.3, NM_001387283.1).
Identifiers: ClinVar variation 415141 (VCV000415141.14), dbSNP rs1060504460, ClinGen allele CA16616193.

ClinVar aggregate classification (germline): Benign/Likely benign. Review status: criteria provided, multiple submitters, no conflicts (2 of 4 stars). 3 submissions from 3 submitters: Benign (1); Likely benign (2). Last evaluated 2026-07-23.

Conditions:
Hereditary cancer-predisposing syndrome. Also called: Hereditary Cancer Syndrome; Hereditary neoplastic syndrome; Neoplastic Syndromes, Hereditary; Tumor predisposition. Identifiers: Orphanet 140162, MedGen C0027672, MeSH D009386, MONDO:0015356.
Rhabdoid tumor predisposition syndrome 2 (RTPS2). Identifiers: Orphanet 231108, Orphanet 69077, MedGen C2750074, MONDO:0013224, OMIM 613325.

gnomAD v4.1: 6 of 1,613,894 alleles (0.00037%); highest among the groups gnomAD compares: Admixed American, 0.0017%; no homozygotes.

Submissions (3):

Myriad Genetics, Inc.
Classification: Benign for Rhabdoid tumor predisposition syndrome 2. Last evaluated: 2026-07-23. Review status: criteria provided, single submitter. Criteria: Myriad Autosomal Dominant, Autosomal Recessive and X-Linked Classification Criteria (2023). Collection method: clinical testing. Allele origin: unknown.
Comment: This variant is considered benign. This variant is a silent/synonymous amino acid change and it is not expected to impact splicing.

Labcorp Genetics (formerly Invitae), Labcorp
Classification: Likely benign for Rhabdoid tumor predisposition syndrome 2. Last evaluated: 2026-01-27. Review status: criteria provided, single submitter. Criteria: Invitae Variant Classification Sherloc (09022015). Collection method: clinical testing. Allele origin: germline.

Ambry Genetics
Classification: Likely benign for Hereditary cancer-predisposing syndrome. Last evaluated: 2017-11-02. Review status: criteria provided, single submitter. Criteria: Ambry Variant Classification Scheme 2023. Collection method: clinical testing. Allele origin: germline.